The following is an entry in ClinVar:

ClinVar aggregate classification (germline): Uncertain significance (0 of 4 stars; one submission).

Conditions:
CABIN1-related disorder. Also called: CABIN1-related condition.

Submission:

PreventionGenetics, part of Exact Sciences
Classification: Uncertain significance for CABIN1-related condition. Last evaluated: 2024-06-27. Review status: no assertion criteria provided. Collection method: clinical testing. Allele origin: germline.
Comment: The CABIN1 c.4730A>C variant is predicted to result in the amino acid substitution p.Lys1577Thr. To our knowledge, this variant has not been reported in the literature or in a large population database, indicating this variant is rare. At this time, the clinical significance of this variant is uncertain due to the absence of conclusive functional and genetic evidence.

NM_012295.4(CABIN1):c.4730A>C (p.Lys1577Thr)

Gene: CABIN1 (calcineurin binding protein 1; plus strand). Cytogenetic location: 22q11.23.
Variant type: single nucleotide variant.
Coding change: c.4730A>C on transcript NM_012295.4 (MANE Select); coding-DNA position 4730, A replaced by C.
Protein change: p.Lys1577Thr; replaces lysine 1577 with threonine.
Molecular consequence: missense variant.
Genome position (GRCh38, 1-based): chr22:24,134,399, A>C. VCF-style: chr22-24134399-A-C. GRCh37 (hg19) VCF-style: chr22-24530366-A-C.
Other names: c.4730A>C, p.Lys1577Thr (NM_001199281.1); c.4580A>C, p.Lys1527Thr (NM_001201429.2); short protein forms K1527T, K1577T.
Identifiers: ClinVar variation 3347775 (VCV003347775.1).
Genomic context (GRCh38, chr22:24,134,399, plus strand): 5'-GTATCCCGTGGCAACAACTGCAGCACATGCCGGCACAGGGGCTCTTCTGCGAGAGGAACA[A>C]GACCAATTTCTTCAACGTGAGTACTTTGCCTTGTTGATTTCCAAGGCTGTTTGTTGCCAC-3'
Protein context (NP_036427.1, residues 1567-1587): PAQGLFCERN[Lys1577Thr]TNFFNGIWRI